The following is an entry in ClinVar:

ClinVar aggregate classification (germline): Uncertain significance (1 of 4 stars; one submission).

Submission:

Labcorp Genetics (formerly Invitae), Labcorp
Classification: Uncertain significance. Last evaluated: 2022-11-01. Review status: criteria provided, single submitter. Criteria: Invitae Variant Classification Sherloc (09022015). Collection method: clinical testing. Allele origin: germline.
Comment: In summary, the available evidence is currently insufficient to determine the role of this variant in disease. Therefore, it has been classified as a Variant of Uncertain Significance. Algorithms developed to predict the effect of sequence changes on RNA splicing suggest that this variant may create or strengthen a splice site. This variant has not been reported in the literature in individuals affected with EEF2-related conditions. This variant is not present in population databases (gnomAD no frequency). This sequence change falls in intron 6 of the EEF2 gene. It does not directly change the encoded amino acid sequence of the EEF2 protein.

NM_001961.4(EEF2):c.898-9G>A

Gene: EEF2 (eukaryotic translation elongation factor 2; minus strand). Cytogenetic location: 19p13.3.
Variant type: single nucleotide variant.
Coding change: c.898-9G>A on transcript NM_001961.4 (MANE Select); 9 bases into the intron before coding-DNA position 898, G replaced by A.
Molecular consequence: intron variant.
Genome position (GRCh38, 1-based): chr19:3,981,461, C>T on the plus strand (G>A on the coding strand, the complement: EEF2 is on the minus strand). VCF-style: chr19-3981461-C-T. GRCh37 (hg19) VCF-style: chr19-3981459-C-T.
Identifiers: ClinVar variation 2032227 (VCV002032227.4), dbSNP rs750227918, ClinGen allele CA2580096975.